The following is an entry in ClinVar:

NM_031443.4(CCM2):c.358G>A (p.Val120Ile)

Gene: CCM2 (CCM2 scaffold protein; plus strand). Cytogenetic location: 7p13.
Variant type: single nucleotide variant.
Coding change: c.358G>A on transcript NM_031443.4 (MANE Select); coding-DNA position 358, G replaced by A.
Protein change: p.Val120Ile; replaces valine 120 with isoleucine.
Molecular consequence: missense variant. On other transcripts: non-coding transcript variant (1).
Genome position (GRCh38, 1-based): chr7:45,064,532, G>A. VCF-style: chr7-45064532-G-A. GRCh37 (hg19) VCF-style: chr7-45104131-G-A.
Other names: c.421G>A, p.Val141Ile (NM_001029835.2); c.184G>A, p.Val62Ile (NM_001167934.2, NM_001363459.2); c.358G>A, p.Val120Ile (NM_001167935.2, NM_001363458.2); short protein forms V120I, V141I, V62I.
Identifiers: ClinVar variation 261971 (VCV000261971.33), dbSNP rs11552377, ClinGen allele CA4246963.

ClinVar aggregate classification (germline): Benign. Review status: criteria provided, multiple submitters, no conflicts (2 of 4 stars). 10 submissions from 10 submitters: Benign (8). 2 of the submissions do not count toward it. Last evaluated 2026-02-02.

Conditions:
CCM2-related disorder. Also called: CCM2-related condition.
Cerebral cavernous malformation 2. Also called: Familial Cerebral Cavernous Malformation 2. Identifiers: Orphanet 221061, MedGen C1864041, MONDO:0011304, OMIM 603284.

Allele frequency attached by ClinVar (database versions not stated): 1000 Genomes Project 0.10803; 1000 Genomes Project 30x 0.10837; TOPMed 0.12769; gnomAD 0.13068 and 0.13217; ESP Exome Variant Server 0.13517; ExAC 0.14607; gnomAD exomes 0.14713.
gnomAD v4.1: 260,682 of 1,613,656 alleles (16%); highest among the groups gnomAD compares: Middle Eastern, 20%; 22,525 homozygotes.

Submissions (10):

Labcorp Genetics (formerly Invitae), Labcorp
Classification: Benign for Cerebral cavernous malformation 2. Last evaluated: 2026-02-02. Review status: criteria provided, single submitter. Criteria: Invitae Variant Classification Sherloc (09022015). Collection method: clinical testing. Allele origin: germline.

ARUP Laboratories, Molecular Genetics and Genomics, ARUP Laboratories
Classification: Benign for Cerebral cavernous malformation 2. Last evaluated: 2025-06-02. Review status: criteria provided, single submitter. Criteria: ARUP Molecular Germline Variant Investigation Process 2024. Collection method: clinical testing. Allele origin: germline.

Blueprint Genetics
Classification: Benign. Last evaluated: 2024-11-27. Review status: criteria provided, single submitter. Criteria: ACMG Guidelines, 2015. Collection method: clinical testing. Allele origin: germline.

Mayo Clinic Laboratories, Mayo Clinic
Classification: Benign. Last evaluated: 2023-01-12. Review status: criteria provided, single submitter. Criteria: ACMG Guidelines, 2015. Collection method: clinical testing. Allele origin: germline. Observed: 307 variant alleles.
Comment: BA1

Athena Diagnostics
Classification: Benign. Last evaluated: 2017-09-26. Review status: criteria provided, single submitter. Criteria: Athena Diagnostics Criteria. Collection method: clinical testing. Allele origin: germline.

Genome Diagnostics Laboratory, University Medical Center Utrecht
Classification: Benign for Cerebral cavernous malformation 2. Last evaluated: 2017-07-28. Review status: criteria provided, single submitter. Criteria: ACGS Guidelines, 2013. Collection method: clinical testing. Allele origin: germline. Affected: yes. Study: VKGL Data-share Consensus.

Clinical Genetics DNA and cytogenetics Diagnostics Lab, Erasmus MC, Erasmus Medical Center
Classification: Benign for Cerebral cavernous malformation 2. Last evaluated: 2015-09-21. Review status: criteria provided, single submitter. Criteria: ACGS Guidelines, 2013. Collection method: clinical testing. Allele origin: germline. Affected: yes. Study: VKGL Data-share Consensus.

GeneDx
Classification: Benign. Last evaluated: 2015-03-03. Review status: criteria provided, single submitter. Criteria: GeneDx Variant Classification Process June 2021. Collection method: clinical testing. Allele origin: germline. Affected: yes.
Comment: This variant is associated with the following publications: (PMID: 28000143, 20419355, 23485406)

PreventionGenetics, part of Exact Sciences
Classification: Benign for CCM2-related condition. Last evaluated: 2024-07-02. Review status: no assertion criteria provided. Collection method: clinical testing. Allele origin: germline. Not counted in ClinVar's aggregate classification.
Comment: This variant is classified as benign based on ACMG/AMP sequence variant interpretation guidelines (Richards et al. 2015 PMID: 25741868, with internal and published modifications).

Clinical Genetics, Academic Medical Center
Classification: Benign. Review status: no assertion criteria provided. Collection method: clinical testing. Allele origin: germline. Affected: yes. Study: VKGL Data-share Consensus. Not counted in ClinVar's aggregate classification.

Literature cited by the submitters: PubMed 20419355 (cited by Athena Diagnostics).